The following is an entry in ClinVar:

ClinVar aggregate classification (germline): Likely benign. Review status: criteria provided, multiple submitters, no conflicts (2 of 4 stars). 2 submissions from 2 submitters: Likely benign (2). Last evaluated 2024-07-16.

Allele frequency attached by ClinVar (database versions not stated): gnomAD exomes 0.00022; ExAC 0.00049; 1000 Genomes Project 0.00080; ESP Exome Variant Server 0.00085; 1000 Genomes Project 30x 0.00094; gnomAD 0.00105; TOPMed 0.00118.
gnomAD v4.1: 494 of 1,613,334 alleles (0.031%); highest among the groups gnomAD compares: African/African-American, 0.32%; 4 homozygotes.

Submissions (2):

Blueprint Genetics
Classification: Likely benign. Last evaluated: 2024-07-16. Review status: criteria provided, single submitter. Criteria: ACMG Guidelines, 2015. Collection method: clinical testing. Allele origin: germline.

CeGaT Center for Human Genetics Tuebingen
Classification: Likely benign. Last evaluated: 2024-01-01. Review status: criteria provided, single submitter. Criteria: CeGaT Center For Human Genetics Tuebingen Variant Classification Criteria Version 2. Collection method: clinical testing. Allele origin: germline. Affected: yes. Observed: 2 variant alleles.
Comment: FLG: BP4, BP7, BS2

NM_002016.2(FLG):c.9834C>T (p.His3278=)

Genes: CCDST (cervical cancer associated DHX9 suppressive transcript; plus strand), FLG (filaggrin; minus strand). Cytogenetic location: 1q21.3.
Variant type: single nucleotide variant.
Coding change: c.9834C>T on transcript NM_002016.2 (MANE Select); coding-DNA position 9834, C replaced by T.
Protein change: p.His3278=; no amino-acid change (histidine 3278 retained).
Molecular consequence: synonymous variant.
Genome position (GRCh38, 1-based): chr1:152,305,052, G>A on the plus strand (C>T on the coding strand, the complement: FLG is on the minus strand). VCF-style: chr1-152305052-G-A. GRCh37 (hg19) VCF-style: chr1-152277528-G-A.
Identifiers: ClinVar variation 2639244 (VCV002639244.25), dbSNP rs138578082, ClinGen allele CA1103656.